The following is an entry in ClinVar:

NM_001077653.2(TBX20):c.503C>T (p.Ser168Phe)

Gene: TBX20 (T-box transcription factor 20; minus strand). Cytogenetic location: 7p14.2.
Variant type: single nucleotide variant.
Coding change: c.503C>T on transcript NM_001077653.2 (MANE Select); coding-DNA position 503, C replaced by T.
Protein change: p.Ser168Phe; replaces serine 168 with phenylalanine.
Molecular consequence: missense variant.
Genome position (GRCh38, 1-based): chr7:35,248,719, G>A on the plus strand (C>T on the coding strand, the complement: TBX20 is on the minus strand). VCF-style: chr7-35248719-G-A. GRCh37 (hg19) VCF-style: chr7-35288331-G-A.
Other names: c.503C>T, p.Ser168Phe (NM_001166220.1); short protein forms S168F.
Identifiers: ClinVar variation 2182832 (VCV002182832.6), dbSNP rs2546996383, ClinGen allele CA367264598.
Genomic context (GRCh38, chr7:35,248,719, plus strand): 5'-AAATCTGGAGGCACGAACCTGGCTGGCAACGGCGGGTCGGCCTTGCCAGCCACCAGCCAG[G>A]AGGACCGGTGGTAGGCGTAGCGGTACCTCTTGTTGTCCACAGGGACGATGTCCATCAGGA-3'
Protein context (NP_001071121.1, residues 158-178): KRYRYAYHRS[Ser168Phe]WLVAGKADPP

ClinVar aggregate classification (germline): Uncertain significance. Review status: criteria provided, multiple submitters, no conflicts (2 of 4 stars). 2 submissions from 2 submitters: Uncertain significance (2). Last evaluated 2023-05-01.

Conditions:
Cardiovascular phenotype. Identifiers: MedGen CN230736.

Allele frequency attached by ClinVar (database versions not stated): gnomAD exomes below 0.00001.

Submissions (2):

Ambry Genetics
Classification: Uncertain significance for Cardiovascular phenotype. Last evaluated: 2023-05-01. Review status: criteria provided, single submitter. Criteria: Ambry Variant Classification Scheme 2023. Collection method: clinical testing. Allele origin: germline.
Comment: The p.S168F variant (also known as c.503C>T), located in coding exon 3 of the TBX20 gene, results from a C to T substitution at nucleotide position 503. The serine at codon 168 is replaced by phenylalanine, an amino acid with highly dissimilar properties. This alteration was identified in a congenital heart defects/congenital cardiovascular malformations cohort; however, details were limited (Li AH et al. Genome Med, 2017 Oct;9:95). This amino acid position is highly conserved in available vertebrate species. In addition, this alteration is predicted to be deleterious by in silico analysis. Since supporting evidence is limited at this time, the clinical significance of this alteration remains unclear.

Labcorp Genetics (formerly Invitae), Labcorp
Classification: Uncertain significance. Last evaluated: 2021-12-20. Review status: criteria provided, single submitter. Criteria: Invitae Variant Classification Sherloc (09022015). Collection method: clinical testing. Allele origin: germline.
Comment: In summary, the available evidence is currently insufficient to determine the role of this variant in disease. Therefore, it has been classified as a Variant of Uncertain Significance. Algorithms developed to predict the effect of missense changes on protein structure and function are either unavailable or do not agree on the potential impact of this missense change (SIFT: "Deleterious"; PolyPhen-2: "Probably Damaging"; Align-GVGD: "Class C15"). This variant has not been reported in the literature in individuals affected with TBX20-related conditions. This variant is not present in population databases (gnomAD no frequency). This sequence change replaces serine, which is neutral and polar, with phenylalanine, which is neutral and non-polar, at codon 168 of the TBX20 protein (p.Ser168Phe).

Literature cited by the submitters: PubMed 29089047 (cited by Ambry Genetics).